The following is an entry in ClinVar:

ClinVar aggregate classification (germline): Uncertain significance (1 of 4 stars; one submission).

Conditions:
Developmental and epileptic encephalopathy, 9 (DEE9). Also called: EPILEPSY, FEMALE-RESTRICTED, WITH MENTAL RETARDATION; JUBERG-HELLMAN SYNDROME; Early infantile epileptic encephalopathy 9; PCDH19-Related X-Linked Female-Limited Epilepsy with Mental Retardation. Identifiers: Orphanet 101039, Orphanet 2076, MedGen C1848137, MONDO:0010246, OMIM 300088. Disease mechanism: loss of function.

Allele frequency attached by ClinVar (database versions not stated): TOPMed below 0.00001; gnomAD 0.00001.
gnomAD v4.1: 1 of 1,209,192 alleles (0.000083%); highest among the groups gnomAD compares: Non-Finnish European, 0.00011%; no homozygotes.

Submission:

Labcorp Genetics (formerly Invitae), Labcorp
Classification: Uncertain significance for Developmental and epileptic encephalopathy, 9. Last evaluated: 2019-11-06. Review status: criteria provided, single submitter. Criteria: Invitae Variant Classification Sherloc (09022015). Collection method: clinical testing. Allele origin: germline.
Comment: This sequence change replaces arginine with glycine at codon 218 of the PCDH19 protein (p.Arg218Gly). The arginine residue is weakly conserved and there is a moderate physicochemical difference between arginine and glycine. This variant is not present in population databases (ExAC no frequency). This variant has not been reported in the literature in individuals with PCDH19-related conditions. Algorithms developed to predict the effect of missense changes on protein structure and function (SIFT, PolyPhen-2, Align-GVGD) all suggest that this variant is likely to be tolerated, but these predictions have not been confirmed by published functional studies and their clinical significance is uncertain. In summary, the available evidence is currently insufficient to determine the role of this variant in disease. Therefore, it has been classified as a Variant of Uncertain Significance.

NM_001184880.2(PCDH19):c.652C>G (p.Arg218Gly)

Gene: PCDH19 (protocadherin 19; minus strand). Cytogenetic location: Xq22.1.
Variant type: single nucleotide variant.
Coding change: c.652C>G on transcript NM_001184880.2 (MANE Select); coding-DNA position 652, C replaced by G.
Protein change: p.Arg218Gly; replaces arginine 218 with glycine.
Molecular consequence: missense variant.
Genome position (GRCh38, 1-based): chrX:100,407,946, G>C on the plus strand (C>G on the coding strand, the complement: PCDH19 is on the minus strand). VCF-style: chrX-100407946-G-C. GRCh37 (hg19) VCF-style: chrX-99662944-G-C.
Other names: c.652C>G, p.Arg218Gly (NM_001105243.2, NM_020766.3); short protein forms R218G.
Identifiers: ClinVar variation 964204 (VCV000964204.10), dbSNP rs1339944196, ClinGen allele CA414008844.